The following is an entry in ClinVar:

NM_020975.6(RET):c.2038G>T (p.Ala680Ser)

Gene: RET (ret proto-oncogene; plus strand). Cytogenetic location: 10q11.21.
Variant type: single nucleotide variant.
Coding change: c.2038G>T on transcript NM_020975.6 (MANE Select); coding-DNA position 2038, G replaced by T.
Protein change: p.Ala680Ser; replaces alanine 680 with serine.
Molecular consequence: missense variant.
Genome position (GRCh38, 1-based): chr10:43,114,638, G>T. VCF-style: chr10-43114638-G-T. GRCh37 (hg19) VCF-style: chr10-43610086-G-T.
Other names: c.2038G>T, p.Ala680Ser (NM_000323.2, NM_001406743.1, NM_001406744.1 and 4 more transcripts); c.1276G>T, p.Ala426Ser (NM_001355216.2); c.1909G>T, p.Ala637Ser (NM_001406761.1, NM_001406762.1, NM_001406764.1); c.1903G>T, p.Ala635Ser (NM_001406763.1, NM_001406765.1); c.1750G>T, p.Ala584Ser (NM_001406766.1, NM_001406767.1, NM_001406770.1); c.1774G>T, p.Ala592Ser (NM_001406768.1); c.1642G>T, p.Ala548Ser (NM_001406769.1, NM_001406772.1); c.1600G>T, p.Ala534Ser (NM_001406771.1, NM_001406773.1); and 10 more; short protein forms A245S, A336S, A350S, A505S, A584S, A534S, A635S, A197S.
Identifiers: ClinVar variation 1984347 (VCV001984347.6), dbSNP rs184498773, ClinGen allele CA376553186.
Genomic context (GRCh38, chr10:43,114,638, plus strand): 5'-TACCACAAGTTTGCCCACAAGCCACCCATCTCCTCAGCTGAGATGACCTTCCGGAGGCCC[G>T]CCCAGGCCTTCCCGGTCAGCTACTCCTCTTCCGGTGCCCGCCGGCCCTCGCTGGACTCCA-3'
Protein context (NP_066124.1, residues 670-690): SSAEMTFRRP[Ala680Ser]QAFPVSYSSS

ClinVar aggregate classification (germline): Uncertain significance. Review status: criteria provided, multiple submitters, no conflicts (2 of 4 stars). 3 submissions from 3 submitters: Uncertain significance (3). Last evaluated 2025-10-06.

Conditions:
Hereditary cancer-predisposing syndrome. Also called: Tumor predisposition; Hereditary neoplastic syndrome; Neoplastic Syndromes, Hereditary; Hereditary Cancer Syndrome. Identifiers: Orphanet 140162, MedGen C0027672, MeSH D009386, MONDO:0015356.
Multiple endocrine neoplasia, type 2 (MEN2). Identifiers: Orphanet 653, MedGen C4048306, MONDO:0019003. Disease mechanism: gain of function.

Submissions (3):

Ambry Genetics
Classification: Uncertain significance for Hereditary cancer-predisposing syndrome. Last evaluated: 2025-10-06. Review status: criteria provided, single submitter. Criteria: Ambry Variant Classification Scheme 2023. Collection method: clinical testing. Allele origin: germline.
Comment: The p.A680S variant (also known as c.2038G>T), located in coding exon 11 of the RET gene, results from a G to T substitution at nucleotide position 2038. The alanine at codon 680 is replaced by serine, an amino acid with similar properties. This amino acid position is well conserved in available vertebrate species. In addition, this alteration is predicted to be tolerated by in silico analysis. Based on the available evidence, the clinical significance of this variant remains unclear.

Labcorp Genetics (formerly Invitae), Labcorp
Classification: Uncertain significance for Multiple endocrine neoplasia, type 2. Last evaluated: 2024-06-19. Review status: criteria provided, single submitter. Criteria: Invitae Variant Classification Sherloc (09022015). Collection method: clinical testing. Allele origin: germline.
Comment: This sequence change replaces alanine, which is neutral and non-polar, with serine, which is neutral and polar, at codon 680 of the RET protein (p.Ala680Ser). This variant is not present in population databases (gnomAD no frequency). This variant has not been reported in the literature in individuals affected with RET-related conditions. ClinVar contains an entry for this variant (Variation ID: 1984347). An algorithm developed to predict the effect of missense changes on protein structure and function (PolyPhen-2) suggests that this variant is likely to be tolerated. In summary, the available evidence is currently insufficient to determine the role of this variant in disease. Therefore, it has been classified as a Variant of Uncertain Significance.

All of Us Research Program, National Institutes of Health
Classification: Uncertain significance for Multiple endocrine neoplasia, type 2. Last evaluated: 2023-02-24. Review status: criteria provided, single submitter. Criteria: ACMG Guidelines, 2015. Collection method: clinical testing. Allele origin: germline. Inheritance: Autosomal dominant inheritance. Observed: 1 variant allele, 1 heterozygote.
Comment: This missense variant replaces alanine with serine at codon 680 of the RET protein. Computational prediction suggests that this variant may not impact protein structure and function (internally defined REVEL score threshold <= 0.5, PMID: 27666373). To our knowledge, functional studies have not been reported for this variant. This variant has not been reported in individuals affected with hereditary cancer in the literature. This variant has not been identified in the general population by the Genome Aggregation Database (gnomAD). The available evidence is insufficient to determine the role of this variant in disease conclusively. Therefore, this variant is classified as a Variant of Uncertain Significance.

This study involves interpretation of variants in research participants for the purpose of population health screening. Participant phenotype was not available at the time of variant classification. Additional details can be found in publication PMID: 35346344, PMCID: PMC8962531